The following is an entry in ClinVar:

NM_032608.7(MYO18B):c.3496A>G (p.Ser1166Gly)

Gene: MYO18B (myosin XVIIIB; plus strand). Cytogenetic location: 22q12.1.
Variant type: single nucleotide variant.
Coding change: c.3496A>G on transcript NM_032608.7 (MANE Select); coding-DNA position 3496, A replaced by G.
Protein change: p.Ser1166Gly; replaces serine 1166 with glycine.
Molecular consequence: missense variant.
Genome position (GRCh38, 1-based): chr22:25,846,227, A>G. VCF-style: chr22-25846227-A-G. GRCh37 (hg19) VCF-style: chr22-26242194-A-G.
Other names: c.3499A>G, p.Ser1167Gly (NM_001318245.2); short protein forms S1166G, S1167G.
Identifiers: ClinVar variation 1501463 (VCV001501463.6), dbSNP rs761950074, ClinGen allele CA410999407.

ClinVar aggregate classification (germline): Uncertain significance (1 of 4 stars; one submission).

Allele frequency attached by ClinVar (database versions not stated): gnomAD exomes below 0.00001; gnomAD 0.00001; TOPMed 0.00001.
gnomAD v4.1: 5 of 1,612,366 alleles (0.00031%); highest among the groups gnomAD compares: East Asian, 0.0045%; no homozygotes.

Submission:

Labcorp Genetics (formerly Invitae), Labcorp
Classification: Uncertain significance. Last evaluated: 2023-07-10. Review status: criteria provided, single submitter. Criteria: Invitae Variant Classification Sherloc (09022015). Collection method: clinical testing. Allele origin: germline.
Comment: In summary, the available evidence is currently insufficient to determine the role of this variant in disease. Therefore, it has been classified as a Variant of Uncertain Significance. An algorithm developed to predict the effect of missense changes on protein structure and function (PolyPhen-2) suggests that this variant is likely to be tolerated. This variant has not been reported in the literature in individuals affected with MYO18B-related conditions. ClinVar contains an entry for this variant (Variation ID: 1501463). This variant is not present in population databases (gnomAD no frequency). This sequence change replaces serine, which is neutral and polar, with glycine, which is neutral and non-polar, at codon 1166 of the MYO18B protein (p.Ser1166Gly).